The following is an entry in ClinVar:

NM_152564.5(VPS13B):c.7695C>T (p.Cys2565=)

Gene: VPS13B (vacuolar protein sorting 13 homolog B; plus strand). Cytogenetic location: 8q22.2.
Variant type: single nucleotide variant.
Coding change: c.7695C>T on transcript NM_152564.5 (MANE Select); coding-DNA position 7695, C replaced by T.
Protein change: p.Cys2565=; no amino-acid change (cysteine 2565 retained).
Molecular consequence: synonymous variant.
Genome position (GRCh38, 1-based): chr8:99,778,947, C>T. VCF-style: chr8-99778947-C-T. GRCh37 (hg19) VCF-style: chr8-100791175-C-T.
Other names: c.7770C>T (NM_017890.3); c.7770C>T, p.Cys2590= (NM_017890.5); c.7695C>T (NM_152564.4).
Identifiers: ClinVar variation 791730 (VCV000791730.40), dbSNP rs114038492, ClinGen allele CA4824271.

ClinVar aggregate classification (germline): Benign/Likely benign. Review status: criteria provided, multiple submitters, no conflicts (2 of 4 stars). 7 submissions from 7 submitters: Benign (1); Likely benign (4). 2 of the submissions do not count toward it. Last evaluated 2026-02-02.

Conditions:
VPS13B-related disorder. Also called: VPS13B-related condition.
Inborn genetic diseases. Identifiers: MedGen C0950123, MeSH D030342.
Cohen syndrome (COH1). Also called: PEPPER SYNDROME; Cutis verticis gyrata, retinitis pigmentosa, and sensorineural deafness. Identifiers: Orphanet 193, MedGen C0265223, MONDO:0008999, OMIM 216550.

Allele frequency attached by ClinVar (database versions not stated): ExAC 0.00025; gnomAD 0.00080 and 0.00088; TOPMed 0.00087; 1000 Genomes Project 0.00100; ESP Exome Variant Server 0.00108; 1000 Genomes Project 30x 0.00109; gnomAD exomes 0.00007 and 0.00019.
gnomAD v4.1: 227 of 1,613,954 alleles (0.014%); highest among the groups gnomAD compares: African/African-American, 0.29%; 1 homozygote.

Submissions (7):

Labcorp Genetics (formerly Invitae), Labcorp
Classification: Benign for Cohen syndrome. Last evaluated: 2026-02-02. Review status: criteria provided, single submitter. Criteria: Invitae Variant Classification Sherloc (09022015). Collection method: clinical testing. Allele origin: germline.

Athena Diagnostics
Classification: Likely benign. Last evaluated: 2024-12-30. Review status: criteria provided, single submitter. Criteria: Athena Diagnostics Criteria. Collection method: clinical testing. Allele origin: unknown.
Comment: The frequency of this variant in the general population is higher than would generally be expected for pathogenic variants in this gene. Computational tools yielded predictions that this variant is unlikely to have an effect on normal RNA splicing. This nucleotide position exhibits low evolutionary conservation.

Blueprint Genetics
Classification: Likely benign. Last evaluated: 2024-11-25. Review status: criteria provided, single submitter. Criteria: ACMG Guidelines, 2015. Collection method: clinical testing. Allele origin: germline.

CeGaT Center for Human Genetics Tuebingen
Classification: Likely benign. Last evaluated: 2023-02-01. Review status: criteria provided, single submitter. Criteria: CeGaT Center For Human Genetics Tuebingen Variant Classification Criteria Version 2. Collection method: clinical testing. Allele origin: germline. Affected: yes. Observed: 1 variant allele.
Comment: VPS13B: BP4, BP7

Ambry Genetics
Classification: Likely benign for Inborn genetic diseases. Last evaluated: 2019-01-14. Review status: criteria provided, single submitter. Criteria: Ambry Variant Classification Scheme 2023. Collection method: clinical testing. Allele origin: germline.

PreventionGenetics, part of Exact Sciences
Classification: Likely benign for VPS13B-related condition. Last evaluated: 2024-06-17. Review status: no assertion criteria provided. Collection method: clinical testing. Allele origin: germline. Not counted in ClinVar's aggregate classification.
Comment: This variant is classified as likely benign based on ACMG/AMP sequence variant interpretation guidelines (Richards et al. 2015 PMID: 25741868, with internal and published modifications).

Natera, Inc.
Classification: Likely benign for Cohen syndrome. Last evaluated: 2020-01-20. Review status: no assertion criteria provided. Collection method: clinical testing. Allele origin: germline. Not counted in ClinVar's aggregate classification.